The following is an entry in ClinVar:

NM_001009944.3(PKD1):c.9506G>A (p.Arg3169Gln)

Gene: PKD1 (polycystin 1, transient receptor potential channel interacting; minus strand). Cytogenetic location: 16p13.3.
Variant type: single nucleotide variant.
Coding change: c.9506G>A on transcript NM_001009944.3 (MANE Select); coding-DNA position 9506, G replaced by A.
Protein change: p.Arg3169Gln; replaces arginine 3169 with glutamine.
Molecular consequence: missense variant.
Genome position (GRCh38, 1-based): chr16:2,100,458, C>T on the plus strand (G>A on the coding strand, the complement: PKD1 is on the minus strand). VCF-style: chr16-2100458-C-T. GRCh37 (hg19) VCF-style: chr16-2150459-C-T.
Other names: c.9506G>A, p.Arg3169Gln (NM_000296.4); short protein forms R3169Q.
Identifiers: ClinVar variation 811775 (VCV000811775.37), dbSNP rs375378535, ClinGen allele CA7830067.
Genomic context (GRCh38, chr16:2,100,458, plus strand): 5'-TTGTTGTCGTGCCACACTCGGATCTTCCACACGCTACCCAGGCTGTGCGGGGTGGCGATC[C>T]GGAAGATGTCCAGGCTGTTGCGGTGGAAGGCTCTGTCGCCGTCCAGGTGCCGGTGGCCGC-3'
Protein context (NP_001009944.3, residues 3159-3179): AFHRNSLDIF[Arg3169Gln]IATPHSLGSV

ClinVar aggregate classification (germline): Conflicting classifications of pathogenicity. Review status: criteria provided, conflicting classifications (1 of 4 stars). 8 submissions from 8 submitters: Uncertain significance (1); Benign (2); Likely benign (5). Last evaluated 2025-06-16.

Conditions:
Polycystic kidney disease, adult type (PKD1). Also called: Polycystic Kidney Disease 1, Autosomal Dominant; Polycystic kidney disease 1; Polycystic kidney disease 1, severe; POLYCYSTIC KIDNEY DISEASE, ADULT, TYPE I; Polycystic Kidney, Autosomal Dominant; POLYCYSTIC KIDNEY DISEASE 1 WITH OR WITHOUT POLYCYSTIC LIVER DISEASE. Identifiers: MedGen C3149841, MONDO:0008263, OMIM 173900.

Allele frequency attached by ClinVar (database versions not stated): gnomAD exomes 0.00031 and 0.00063; TOPMed 0.00046; gnomAD 0.00051 and 0.00054; ExAC 0.00059; 1000 Genomes Project 30x 0.00156; 1000 Genomes Project 0.00180.
gnomAD v4.1: 573 of 1,610,954 alleles (0.036%); highest among the groups gnomAD compares: East Asian, 0.33%; 1 homozygote.

Submissions (9):

Women's Health and Genetics/Laboratory Corporation of America, LabCorp
Classification: Likely benign. Last evaluated: 2025-06-16. Review status: criteria provided, single submitter. Criteria: LabCorp Variant Classification Summary - May 2015. Collection method: clinical testing. Allele origin: germline.
Comment: Variant summary: PKD1 c.9506G>A (p.Arg3169Gln) results in a conservative amino acid change in the encoded protein sequence. Algorithms developed to predict the effect of missense changes on protein structure and function all suggest that this variant is likely to be tolerated. The variant allele was found at a frequency of 0.00063 in 249430 control chromosomes, predominantly at a frequency of 0.0048 within the East Asian subpopulation in the gnomAD database. The observed variant frequency within East Asian control individuals in the gnomAD database exceeds the estimated maximal expected allele frequency for a pathogenic variant in PKD1 causing PKD1-Biallelic Autosomal Recessive Polycystic Kidney Disease phenotype. To our knowledge, no occurrence of c.9506G>A in individuals affected with PKD1-Biallelic Autosomal Recessive Polycystic Kidney Disease and no experimental evidence demonstrating its impact on protein function have been reported. ClinVar contains an entry for this variant (Variation ID: 811775). Based on the evidence outlined above, the variant was classified as likely benign.

Blueprint Genetics
Classification: Benign. Last evaluated: 2024-09-18. Review status: criteria provided, single submitter. Criteria: ACMG Guidelines, 2015. Collection method: clinical testing. Allele origin: germline.

CeGaT Center for Human Genetics Tuebingen
Classification: Benign. Last evaluated: 2024-03-01. Review status: criteria provided, single submitter. Criteria: CeGaT Center For Human Genetics Tuebingen Variant Classification Criteria Version 2. Collection method: clinical testing. Allele origin: germline. Affected: yes. Observed: 1 variant allele.
Comment: PKD1: PM5, BP4, BS1, BS2

Department of Pathology and Laboratory Medicine, Sinai Health System
Classification: Likely benign for Polycystic kidney disease, adult type. Last evaluated: 2023-06-28. Review status: criteria provided, single submitter. Criteria: ACMG Guidelines, 2015. Collection method: clinical testing. Allele origin: germline. Affected: yes.

GeneDx
Classification: Uncertain significance. Last evaluated: 2022-05-31. Review status: criteria provided, single submitter. Criteria: GeneDx Variant Classification Process June 2021. Collection method: clinical testing. Allele origin: germline. Affected: yes.
Comment: Reported as a polymorphism in a patient with polycystic kidney disease in published literature (Yu et al., 2011); In silico analysis supports that this missense variant does not alter protein structure/function; This variant is associated with the following publications: (PMID: 22185115)

Fulgent Genetics
Classification: Likely benign for Polycystic kidney disease, adult type. Last evaluated: 2021-10-07. Review status: criteria provided, single submitter. Criteria: ACMG Guidelines, 2015. Collection method: clinical testing. Allele origin: unknown.

ARUP Laboratories, Molecular Genetics and Genomics, ARUP Laboratories
Classification: Likely benign for Polycystic kidney disease, adult type. Last evaluated: 2019-01-02. Review status: criteria provided, single submitter. Criteria: ARUP Molecular Germline Variant Investigation Process. Collection method: clinical testing. Allele origin: germline.

Breakthrough Genomics
Classification: Likely benign. Review status: criteria provided, single submitter. Criteria: ACMG Guidelines, 2015. Collection method: not provided. Allele origin: germline. Inheritance: Autosomal dominant inheritance. Affected: yes.

Dr. Peter K. Rogan Lab, Western University
No classification provided (evidence only). Condition: Malignant tumor of urinary bladder. Review status: no classification provided. Collection method: in vitro. Allele origin: not applicable. Functional consequence: retained intron. Not counted in ClinVar's aggregate classification.

Literature cited by the submitters: PubMed 22185115 (cited by Department of Pathology and Laboratory Medicine, Sinai Health System).